The following is an entry in ClinVar:

ClinVar aggregate classification (germline): Uncertain significance. Review status: criteria provided, multiple submitters, no conflicts (2 of 4 stars). 3 submissions from 3 submitters: Uncertain significance (2). 1 of the submissions does not count toward it. Last evaluated 2025-09-11.

Conditions:
Combined malonic and methylmalonic acidemia. Identifiers: Orphanet 289504, MedGen C3280314, MONDO:0013661, OMIM 614265.
Inborn genetic diseases. Identifiers: MedGen C0950123, MeSH D030342.
Methylmalonic acidemia (MMA). Also called: Isolated Methylmalonic Acidemia. Identifiers: MedGen C0268583, MeSH C537358, MONDO:0002012, HP:0002912.

Allele frequency attached by ClinVar (database versions not stated): gnomAD exomes 0.00001; gnomAD 0.00002 and 0.00003; ExAC 0.00003; TOPMed 0.00004; ESP Exome Variant Server 0.00008.
gnomAD v4.1: 20 of 1,613,396 alleles (0.0012%); highest among the groups gnomAD compares: African/African-American, 0.0093%; no homozygotes.

Submissions (3):

Ambry Genetics
Classification: Uncertain significance for Inborn genetic diseases. Last evaluated: 2025-09-11. Review status: criteria provided, single submitter. Criteria: Ambry Variant Classification Scheme 2023. Collection method: clinical testing. Allele origin: germline.

Labcorp Genetics (formerly Invitae), Labcorp
Classification: Uncertain significance for Combined malonic and methylmalonic acidemia. Last evaluated: 2021-09-02. Review status: criteria provided, single submitter. Criteria: Invitae Variant Classification Sherloc (09022015). Collection method: clinical testing. Allele origin: germline.
Comment: This sequence change replaces aspartic acid with asparagine at codon 105 of the ACSF3 protein (p.Asp105Asn). The aspartic acid residue is moderately conserved and there is a small physicochemical difference between aspartic acid and asparagine. This variant is present in population databases (rs145969050, ExAC 0.01%). This variant has not been reported in the literature in individuals affected with ACSF3-related conditions. Algorithms developed to predict the effect of missense changes on protein structure and function are either unavailable or do not agree on the potential impact of this missense change (SIFT: "Tolerated"; PolyPhen-2: "Possibly Damaging"; Align-GVGD: "Class C0"). In summary, the available evidence is currently insufficient to determine the role of this variant in disease. Therefore, it has been classified as a Variant of Uncertain Significance.

Natera, Inc.
Classification: Uncertain significance for Methylmalonic acidemia. Last evaluated: 2020-09-03. Review status: no assertion criteria provided. Collection method: clinical testing. Allele origin: germline. Not counted in ClinVar's aggregate classification.

NM_001243279.3(ACSF3):c.313G>A (p.Asp105Asn)

Gene: ACSF3 (acyl-CoA synthetase family member 3; plus strand). Cytogenetic location: 16q24.3.
Variant type: single nucleotide variant.
Coding change: c.313G>A on transcript NM_001243279.3 (MANE Select); coding-DNA position 313, G replaced by A.
Protein change: p.Asp105Asn; replaces aspartic acid 105 with asparagine.
Molecular consequence: missense variant. On other transcripts: non-coding transcript variant (3), intron variant (1).
Genome position (GRCh38, 1-based): chr16:89,100,994, G>A. VCF-style: chr16-89100994-G-A. GRCh37 (hg19) VCF-style: chr16-89167402-G-A.
Other names: c.313G>A, p.Asp105Asn (NM_001127214.4, NM_174917.5); c.-129-1610G>A (NM_001284316.2); c.313G>A (NM_174917.3); short protein forms D105N.
Identifiers: ClinVar variation 658792 (VCV000658792.6), dbSNP rs145969050, ClinGen allele CA8237609.